The following is an entry in ClinVar:

ClinVar aggregate classification (germline): Uncertain significance. Review status: criteria provided, multiple submitters, no conflicts (2 of 4 stars). 3 submissions from 3 submitters: Uncertain significance (3). Last evaluated 2025-05-29.

Conditions:
Axenfeld-Rieger syndrome type 3 (RIEG3). Also called: AXENFELD-RIEGER ANOMALY WITH CARDIAC DEFECTS AND/OR SENSORINEURAL HEARING LOSS. Identifiers: Orphanet 782, MedGen C2678503, MONDO:0011233, OMIM 602482.
Anterior segment dysgenesis 3 (ASGD3). Also called: Glaucoma iridogoniodysplasia, familial; IRIDOGONIODYSGENESIS ANOMALY, AUTOSOMAL DOMINANT. Identifiers: Orphanet 91483, MedGen C5975707, MONDO:0024456, OMIM 601631.

Allele frequency attached by ClinVar (database versions not stated): TOPMed 0.00005; ExAC 0.00006; gnomAD exomes 0.00007.

Submissions (3):

Mayo Clinic Laboratories, Mayo Clinic
Classification: Uncertain significance. Last evaluated: 2025-05-29. Review status: criteria provided, single submitter. Criteria: ACMG Guidelines, 2015. Collection method: clinical testing. Allele origin: germline. Observed: 1 variant allele.
Comment: BP4

Labcorp Genetics (formerly Invitae), Labcorp
Classification: Uncertain significance for Axenfeld-Rieger syndrome type 3. Last evaluated: 2022-10-01. Review status: criteria provided, single submitter. Criteria: Invitae Variant Classification Sherloc (09022015). Collection method: clinical testing. Allele origin: germline.
Comment: This sequence change replaces alanine, which is neutral and non-polar, with valine, which is neutral and non-polar, at codon 490 of the FOXC1 protein (p.Ala490Val). This variant is present in population databases (rs767729842, gnomAD 0.01%). This variant has not been reported in the literature in individuals affected with FOXC1-related conditions. ClinVar contains an entry for this variant (Variation ID: 1401522). Algorithms developed to predict the effect of missense changes on protein structure and function are either unavailable or do not agree on the potential impact of this missense change (SIFT: "Deleterious"; PolyPhen-2: "Possibly Damaging"; Align-GVGD: "Class C0"). In summary, the available evidence is currently insufficient to determine the role of this variant in disease. Therefore, it has been classified as a Variant of Uncertain Significance.

Fulgent Genetics
Classification: Uncertain significance for Anterior segment dysgenesis 3; Axenfeld-Rieger syndrome type 3. Last evaluated: 2021-12-24. Review status: criteria provided, single submitter. Criteria: ACMG Guidelines, 2015. Collection method: clinical testing. Allele origin: unknown.

NM_001453.3(FOXC1):c.1469C>T (p.Ala490Val)

Gene: FOXC1 (forkhead box C1; plus strand). Cytogenetic location: 6p25.3.
Variant type: single nucleotide variant.
Coding change: c.1469C>T on transcript NM_001453.3 (MANE Select); coding-DNA position 1469, C replaced by T.
Protein change: p.Ala490Val; replaces alanine 490 with valine.
Molecular consequence: missense variant.
Genome position (GRCh38, 1-based): chr6:1,611,914, C>T. VCF-style: chr6-1611914-C-T. GRCh37 (hg19) VCF-style: chr6-1612149-C-T.
Other names: p.Ala490Val; short protein forms A490V.
Identifiers: ClinVar variation 1401522 (VCV001401522.7), dbSNP rs767729842, ClinGen allele CA3614904.
Genomic context (GRCh38, chr6:1,611,914, plus strand): 5'-TCACCTCGTGGTACCTGAACCAGGCGGGCGGAGACCTGGGCCACTTGGCGAGCGCGGCGG[C>T]GGCGGCGGCGGCCGCAGGCTACCCGGGCCAGCAGCAGAACTTCCACTCGGTGCGGGAGAT-3'
Protein context (NP_001444.2, residues 480-500): GDLGHLASAA[Ala490Val]AAAAAGYPGQ